The following is an entry in ClinVar:

NM_006441.4(MTHFS):c.9_18dup (p.Ser7fs)

Genes: MTHFS (methenyltetrahydrofolate synthetase; minus strand), ST20-MTHFS (ST20-MTHFS readthrough; minus strand). Cytogenetic location: 15q25.1.
Variant type: Duplication.
Coding change: c.9_18dup on transcript NM_006441.4 (MANE Select); coding-DNA positions 9 to 18, 10 bases duplicated (GGCAGCGGTG; older notation c.9_18dupGGCAGCGGTG).
Protein change: p.Ser7fs; shifts the reading frame from serine 7.
Molecular consequence: frameshift variant. On other transcripts: non-coding transcript variant (1), intron variant (2).
Genome position (GRCh38, 1-based): chr15:79,896,971-79,896,980, CACCGCTGCC duplicated on the plus strand (GGCAGCGGTG on the coding strand, the reverse complement: MTHFS is on the minus strand). VCF-style (leftmost placement, unchanged base first): chr15-79896970-T-TCACCGCTGCC. GRCh37 (hg19) VCF-style: chr15-80189312-T-TCACCGCTGCC.
Other names: c.46-7626_46-7617dup (NM_001199760.2); c.-55+181_-55+190dup (NM_001199758.1); short protein forms S7fs.
Identifiers: ClinVar variation 3775227 (VCV003775227.1).

ClinVar aggregate classification (germline): Likely pathogenic (1 of 4 stars; one submission).

Conditions:
Neurodevelopmental disorder with microcephaly, epilepsy, and hypomyelination. Identifiers: Orphanet 597874, MedGen C5193057, MONDO:0032705, OMIM 618367.

Submission:

3billion
Classification: Likely pathogenic for Neurodevelopmental disorder with microcephaly, epilepsy, and hypomyelination. Last evaluated: 2023-06-12. Review status: criteria provided, single submitter. Criteria: ACMG Guidelines, 2015. Collection method: clinical testing. Allele origin: germline. Affected: yes.
Comment: The variant is not observed in the gnomAD v2.1.1 dataset. Predicted Consequence/Location: Frameshift: predicted to result in a loss or disruption of normal protein function through nonsense-mediated decay (NMD) or protein truncation. Multiple pathogenic variants are reported downstream of the variant. Therefore, this variant is classified as Likely pathogenic according to the recommendation of ACMG/AMP guideline.